The following is an entry in ClinVar:

NM_030632.3(ASXL3):c.1939dup (p.Thr647fs)

Gene: ASXL3 (ASXL transcriptional regulator 3; plus strand). Cytogenetic location: 18q12.1.
Variant type: Duplication.
Coding change: c.1939dup on transcript NM_030632.3 (MANE Select); coding-DNA position 1939, one base duplicated (A; older notation c.1939dupA).
Protein change: p.Thr647fs; shifts the reading frame from threonine 647.
Molecular consequence: frameshift variant.
Genome position (GRCh38, 1-based): chr18:33,739,343, A duplicated. VCF-style (leftmost placement, unchanged base first): chr18-33739342-G-GA. GRCh37 (hg19) VCF-style: chr18-31319306-G-GA.
Other names: c.1939dupA (NM_030632.3); short protein forms T647fs.
Identifiers: ClinVar variation 280574 (VCV000280574.4), dbSNP rs886041753, ClinGen allele CA10603491.

ClinVar aggregate classification (germline): Pathogenic (1 of 4 stars; one submission).

Conditions:
Bainbridge-Ropers syndrome. Also called: Severe feeding difficulties-failure to thrive-microcephaly due to ASXL3 deficiency syndrome. Identifiers: Orphanet 352577, MedGen C4750837, MONDO:0014205, OMIM 615485.

Submission:

GeneDx
Classification: Pathogenic. Last evaluated: 2016-05-06. Review status: criteria provided, single submitter. Criteria: GeneDx Variant Classification (06012015). Collection method: clinical testing. Allele origin: germline. Affected: yes.
Comment: The c.1939dupA pathogenic variant in the ASXL3 gene has not been reported previously as a pathogenic variant nor as a benign variant, to our knowledge. The c.1939dupA variant causes a frameshift starting with codon Threonine 647, changes this amino acid to a Asparagine residue, and creates a premature Stop codon at position 6 of the new reading frame, denoted p.Thr647AsnfsX6. This variant is predicted to cause loss of normal protein function either through protein truncation or nonsense-mediated mRNA decay. The c.1939dupA variant was not observed in approximately 6000 individuals of European and African American ancestry in the NHLBI Exome Sequencing Project, indicating it is not a common benign variant in these populations. We interpret c.1939dupA as a pathogenic variant.